The following is an entry in ClinVar:

NM_001201427.2(DAAM2):c.1003C>T (p.Arg335Trp)

Gene: DAAM2 (dishevelled associated activator of morphogenesis 2; plus strand). Cytogenetic location: 6p21.2.
Variant type: single nucleotide variant.
Coding change: c.1003C>T on transcript NM_001201427.2 (MANE Select); coding-DNA position 1003, C replaced by T.
Protein change: p.Arg335Trp; replaces arginine 335 with tryptophan.
Molecular consequence: missense variant.
Genome position (GRCh38, 1-based): chr6:39,871,531, C>T. VCF-style: chr6-39871531-C-T. GRCh37 (hg19) VCF-style: chr6-39839307-C-T.
Other names: c.1003C>T, p.Arg335Trp (NM_015345.4); c.1003C>T (NM_001201427.1); short protein forms R335W.
Identifiers: ClinVar variation 1705482 (VCV001705482.2), dbSNP rs371806282, ClinGen allele CA3794839.

ClinVar aggregate classification (germline): Uncertain significance. Review status: criteria provided, multiple submitters, no conflicts (2 of 4 stars). 2 submissions from 2 submitters: Uncertain significance (2). Last evaluated 2025-06-24.

Conditions:
Inborn genetic diseases. Identifiers: MedGen C0950123, MeSH D030342.
Nephrotic syndrome, type 24. Identifiers: Orphanet 567548, MedGen C5543267, MONDO:0031008, OMIM 619263.

Allele frequency attached by ClinVar (database versions not stated): gnomAD 0.00003; gnomAD exomes 0.00009; ExAC 0.00019.
gnomAD v4.1: 124 of 1,551,186 alleles (0.008%); highest among the groups gnomAD compares: South Asian, 0.12%; no homozygotes.

Submissions (2):

Ambry Genetics
Classification: Uncertain significance for Inborn genetic diseases. Last evaluated: 2025-06-24. Review status: criteria provided, single submitter. Criteria: Ambry Variant Classification Scheme 2023. Collection method: clinical testing. Allele origin: germline.

3billion
Classification: Uncertain significance for Nephrotic syndrome, type 24. Last evaluated: 2022-09-01. Review status: criteria provided, single submitter. Criteria: ACMG Guidelines, 2015. Collection method: clinical testing. Allele origin: germline. Affected: yes. Observed: 1 heterozygote.
Comment: The variant is observed at an extremely low frequency in the gnomAD v2.1.1 dataset (total allele frequency: 0.015%). In silico tool predictions suggest damaging effect of the variant on gene or gene product (REVEL: 0.75; 3Cnet: 0.77). A different missense change at the same codon (p.Arg335Gln) has been reported to be associated with DAAM2-related disorder (ClinVar ID: VCV001054669 / PMID: 33232676). However the evidence of pathogenicity is insufficient at this time. Therefore, this variant is classified as uncertain significance according to the recommendation of ACMG/AMP guideline.

Literature cited by the submitters: PubMed 33232676 (cited by 3billion).